The following is an entry in ClinVar:

NM_004086.3(COCH):c.370A>C (p.Thr124Pro)

Genes: COCH (cochlin; plus strand), COCH-AS1 (COCH antisense RNA 1; minus strand). Cytogenetic location: 14q12.
Variant type: single nucleotide variant.
Coding change: c.370A>C on transcript NM_004086.3 (MANE Select); coding-DNA position 370, A replaced by C.
Protein change: p.Thr124Pro; replaces threonine 124 with proline.
Molecular consequence: missense variant.
Genome position (GRCh38, 1-based): chr14:30,878,941, A>C. VCF-style: chr14-30878941-A-C. GRCh37 (hg19) VCF-style: chr14-31348147-A-C.
Other names: c.370A>C, p.Thr124Pro (NM_001135058.2); c.565A>C, p.Thr189Pro (NM_001347720.2); short protein forms T124P, T189P.
Identifiers: ClinVar variation 5018663 (VCV005018663.2).
Genomic context (GRCh38, chr14:30,878,941, plus strand): 5'-GTAGATGCCAATGGCATCCAGTCTCAAATGCTTTCTAGATGGTCTGCTTCTTTCACAGTA[A>C]CTAGTAGGTATAATTATTGTTCTCATTCTGTAATATTCTCCCACCCCCCAAACGTTTTCT-3'
Protein context (NP_004077.1, residues 114-134): LSRWSASFTV[Thr124Pro]KGKSSTQEAT

ClinVar aggregate classification (germline): Uncertain significance (1 of 4 stars; one submission).

Conditions:
Hearing loss, autosomal recessive 110. Also called: DEAFNESS, AUTOSOMAL RECESSIVE 110. Identifiers: MedGen C4748162, MONDO:0054860, OMIM 618094.
Autosomal dominant nonsyndromic hearing loss 9. Identifiers: Orphanet 90635, MedGen C1832425, MONDO:0011058, OMIM 601369.

Submission:

Juno Genomics, Hangzhou Juno Genomics, Inc
Classification: Uncertain significance for Hearing loss, autosomal recessive 110; Autosomal dominant nonsyndromic hearing loss 9. Review status: criteria provided, single submitter. Criteria: ACMG Guidelines, 2015. Collection method: clinical testing. Allele origin: germline.
Comment: Absent from controls (or at extremely low frequency if recessive) in Genome Aggregation Database.